The following is an entry in ClinVar:

ClinVar aggregate classification (germline): Uncertain significance. Review status: criteria provided, multiple submitters, no conflicts (2 of 4 stars). 2 submissions from 2 submitters: Uncertain significance (2). Last evaluated 2021-04-08.

Conditions:
Periodic fever-infantile enterocolitis-autoinflammatory syndrome. Also called: Autoinflammation with infantile enterocolitis. Identifiers: Orphanet 436166, MedGen C4015067, MONDO:0014472, OMIM 616050.
Familial cold autoinflammatory syndrome 4 (FCAS4). Identifiers: Orphanet 47045, Orphanet 576349, MedGen C4015276, MONDO:0014498, OMIM 616115.

Submissions (2):

Labcorp Genetics (formerly Invitae), Labcorp
Classification: Uncertain significance for Periodic fever-infantile enterocolitis-autoinflammatory syndrome; Familial cold autoinflammatory syndrome 4. Last evaluated: 2021-04-08. Review status: criteria provided, single submitter. Criteria: Invitae Variant Classification Sherloc (09022015). Collection method: clinical testing. Allele origin: germline.
Comment: In summary, the available evidence is currently insufficient to determine the role of this variant in disease. Therefore, it has been classified as a Variant of Uncertain Significance. The current clinical and genetic evidence is not sufficient to establish whether loss-of-function variants in NLRC4 cause disease. This variant has not been reported in the literature in individuals with NLRC4-related disease. This variant is not present in population databases (ExAC no frequency). This sequence change creates a premature translational stop signal (p.Lys682Glufs*31) in the NLRC4 gene. It is expected to result in an absent or disrupted protein product.

Blueprint Genetics
Classification: Uncertain significance. Last evaluated: 2020-12-10. Review status: criteria provided, single submitter. Criteria: ACMG Guidelines, 2015. Collection method: clinical testing. Allele origin: germline.

NM_001199138.2(NLRC4):c.2043dup (p.Lys682fs)

Gene: NLRC4 (NLR family CARD domain containing 4; minus strand). Cytogenetic location: 2p22.3.
Variant type: Duplication.
Coding change: c.2043dup on transcript NM_001199138.2 (MANE Select); coding-DNA position 2043, one base duplicated (G; older notation c.2043dupG).
Protein change: p.Lys682fs; shifts the reading frame from lysine 682.
Molecular consequence: frameshift variant. On other transcripts: intron variant (1).
Genome position (GRCh38, 1-based): chr2:32,249,821, C duplicated on the plus strand (G on the coding strand, the reverse complement: NLRC4 is on the minus strand); the first of 4 consecutive C bases (chr2:32,249,821-32,249,824); duplicating any one gives the same sequence. VCF-style (leftmost placement, unchanged base first): chr2-32249820-T-TC. GRCh37 (hg19) VCF-style: chr2-32474889-T-TC.
Other names: c.2043dupG (NM_021209.4); c.2040dup, p.Lys682Glufs (NM_001199139.2, NM_021209.5); c.262+2598dup (NM_001302504.1); short protein forms K682fs.
Identifiers: ClinVar variation 651935 (VCV000651935.9), dbSNP rs1573492018, ClinGen allele CA915943747.